The following is an entry in ClinVar:

NM_007254.4(PNKP):c.723G>A (p.Glu241=)

Gene: PNKP (polynucleotide kinase 3'-phosphatase; minus strand). Cytogenetic location: 19q13.33.
Variant type: single nucleotide variant.
Coding change: c.723G>A on transcript NM_007254.4 (MANE Select); coding-DNA position 723, G replaced by A.
Protein change: p.Glu241=; no amino-acid change (glutamic acid 241 retained).
Molecular consequence: synonymous variant.
Genome position (GRCh38, 1-based): chr19:49,863,985, C>T on the plus strand (G>A on the coding strand, the complement: PNKP is on the minus strand). VCF-style: chr19-49863985-C-T. GRCh37 (hg19) VCF-style: chr19-50367242-C-T.
Identifiers: ClinVar variation 518154 (VCV000518154.12), dbSNP rs778970176, ClinGen allele CA9586822.

ClinVar aggregate classification (germline): Likely benign. Review status: criteria provided, multiple submitters, no conflicts (2 of 4 stars). 2 submissions from 2 submitters: Likely benign (2). Last evaluated 2022-07-06.

Conditions:
Developmental and epileptic encephalopathy, 12 (DEE12). Identifiers: MedGen C3150988, MONDO:0013389, OMIM 613722.

Allele frequency attached by ClinVar (database versions not stated): gnomAD exomes below 0.00001 and 0.00001; TOPMed below 0.00001; ExAC 0.00001; gnomAD 0.00001.

Submissions (2):

Labcorp Genetics (formerly Invitae), Labcorp
Classification: Likely benign for Developmental and epileptic encephalopathy, 12. Last evaluated: 2022-07-06. Review status: criteria provided, single submitter. Criteria: Invitae Variant Classification Sherloc (09022015). Collection method: clinical testing. Allele origin: germline.

GeneDx
Classification: Likely benign. Last evaluated: 2017-06-22. Review status: criteria provided, single submitter. Criteria: GeneDx Variant Classification (06012015). Collection method: clinical testing. Allele origin: germline. Affected: yes.
Comment: This variant is considered likely benign or benign based on one or more of the following criteria: it is a conservative change, it occurs at a poorly conserved position in the protein, it is predicted to be benign by multiple in silico algorithms, and/or has population frequency not consistent with disease.